The following is an entry in ClinVar:

NM_018723.4(RBFOX1):c.334A>G (p.Asn112Asp)

Genes: RBFOX1 (RNA binding fox-1 homolog 1; plus strand), LOC126862278 (CDK7 strongly-dependent group 2 enhancer GRCh37_chr16:7629446-7630645; plus strand). Cytogenetic location: 16p13.3.
Variant type: single nucleotide variant.
Coding change: c.334A>G on transcript NM_018723.4 (MANE Select); coding-DNA position 334, A replaced by G.
Protein change: p.Asn112Asp; replaces asparagine 112 with aspartic acid.
Molecular consequence: missense variant.
Genome position (GRCh38, 1-based): chr16:7,579,840, A>G. VCF-style: chr16-7579840-A-G. GRCh37 (hg19) VCF-style: chr16-7629842-A-G.
Other names: c.409A>G, p.Asn137Asp (NM_001415893.1, NM_001415899.1, NM_001415901.1 and 4 more transcripts); c.442A>G, p.Asn148Asp (NM_001415894.1, NM_001415898.1, NM_001415900.1 and 5 more transcripts); c.463A>G, p.Asn155Asp (NM_001415895.1, NM_001415897.1, NM_001308117.1 and 5 more transcripts); c.394A>G, p.Asn132Asp (NM_001415896.1, NM_001415904.1, NM_001415906.1 and 4 more transcripts); c.340A>G, p.Asn114Asp (NM_001415902.1, NM_001415911.1, NM_001415917.1); c.334A>G, p.Asn112Asp (NM_001142333.2, NM_001142334.2, NM_001364800.2 and 1 more transcripts); c.931A>G, p.Asn311Asp (NM_001415887.1, NM_001415888.1); short protein forms N112D, N114D, N132D, N137D, N148D, N155D, N311D.
Identifiers: ClinVar variation 3628267 (VCV003628267.2).

ClinVar aggregate classification (germline): Uncertain significance (1 of 4 stars; one submission).

Conditions:
Idiopathic generalized epilepsy. Also called: EIG; Generalised epilepsy. Identifiers: MedGen C0270850, MONDO:0005579, OMIM 600669.

gnomAD v4.1: 6 of 1,614,096 alleles (0.00037%); highest among the groups gnomAD compares: Non-Finnish European, 0.00051%; no homozygotes.

Submission:

Labcorp Genetics (formerly Invitae), Labcorp
Classification: Uncertain significance for Idiopathic generalized epilepsy. Last evaluated: 2024-07-31. Review status: criteria provided, single submitter. Criteria: Invitae Variant Classification Sherloc (09022015). Collection method: clinical testing. Allele origin: germline.
Comment: This sequence change replaces asparagine, which is neutral and polar, with aspartic acid, which is acidic and polar, at codon 132 of the RBFOX1 protein (p.Asn132Asp). This variant is not present in population databases (gnomAD no frequency). This variant has not been reported in the literature in individuals affected with RBFOX1-related conditions. Advanced modeling of protein sequence and biophysical properties (such as structural, functional, and spatial information, amino acid conservation, physicochemical variation, residue mobility, and thermodynamic stability) performed at Invitae indicates that this missense variant is not expected to disrupt RBFOX1 protein function with a negative predictive value of 80%. In summary, the available evidence is currently insufficient to determine the role of this variant in disease. Therefore, it has been classified as a Variant of Uncertain Significance.